The following is an entry in ClinVar:

ClinVar aggregate classification (germline): Benign/Likely benign. Review status: criteria provided, multiple submitters, no conflicts (2 of 4 stars). 4 submissions from 4 submitters: Benign (3); Likely benign (1). Last evaluated 2026-01-28.

Allele frequency attached by ClinVar (database versions not stated): 1000 Genomes Project 30x 0.00609; 1000 Genomes Project 0.00639; gnomAD 0.02130 and 0.02234; gnomAD exomes 0.02214 and 0.02879; ExAC 0.02289; ESP Exome Variant Server 0.02706.
gnomAD v4.1: 45,166 of 1,613,426 alleles (2.8%); highest among the groups gnomAD compares: Non-Finnish European, 3.4%; 688 homozygotes.

Submissions (4):

Labcorp Genetics (formerly Invitae), Labcorp
Classification: Benign. Last evaluated: 2026-01-28. Review status: criteria provided, single submitter. Criteria: Invitae Variant Classification Sherloc (09022015). Collection method: clinical testing. Allele origin: germline.

Blueprint Genetics
Classification: Likely benign. Last evaluated: 2024-11-26. Review status: criteria provided, single submitter. Criteria: ACMG Guidelines, 2015. Collection method: clinical testing. Allele origin: germline.

Mayo Clinic Laboratories, Mayo Clinic
Classification: Benign. Last evaluated: 2023-02-24. Review status: criteria provided, single submitter. Criteria: ACMG Guidelines, 2015. Collection method: clinical testing. Allele origin: germline. Observed: 24 variant alleles.
Comment: BS1, BS2

Breakthrough Genomics
Classification: Benign. Review status: criteria provided, single submitter. Criteria: ACMG Guidelines, 2015. Collection method: not provided. Allele origin: germline. Inheritance: Autosomal recessive inheritance. Affected: yes.

NM_004366.6(CLCN2):c.1626C>T (p.Asn542=)

Gene: CLCN2 (chloride voltage-gated channel 2; minus strand). Cytogenetic location: 3q27.1.
Variant type: single nucleotide variant.
Coding change: c.1626C>T on transcript NM_004366.6 (MANE Select); coding-DNA position 1626, C replaced by T.
Protein change: p.Asn542=; no amino-acid change (asparagine 542 retained).
Molecular consequence: synonymous variant.
Genome position (GRCh38, 1-based): chr3:184,354,196, G>A on the plus strand (C>T on the coding strand, the complement: CLCN2 is on the minus strand). VCF-style: chr3-184354196-G-A. GRCh37 (hg19) VCF-style: chr3-184071984-G-A.
Other names: p.Asn542=; c.1575C>T, p.Asn525= (NM_001171087.3); c.1494C>T, p.Asn498= (NM_001171088.3); c.1626C>T, p.Asn542= (NM_001171089.3).
Identifiers: ClinVar variation 1167319 (VCV001167319.10), dbSNP rs115803480, ClinGen allele CA2734031.